The following is an entry in ClinVar:

ClinVar aggregate classification (germline): Uncertain significance (1 of 4 stars; one submission).

Conditions:
Long QT syndrome (LQTS). Identifiers: MedGen C0023976, MeSH D008133, MONDO:0002442. Disease mechanism: loss of function. Inheritance: Various modes of inheritance.

Submission:

All of Us Research Program, National Institutes of Health
Classification: Uncertain significance for Long QT syndrome. Last evaluated: 2023-10-06. Review status: criteria provided, single submitter. Criteria: ACMG Guidelines, 2015. Collection method: clinical testing. Allele origin: germline. Inheritance: Autosomal dominant inheritance. Observed: 1 variant allele, 1 heterozygote.
Comment: This missense variant replaces leucine with valine at codon 239 of the KCNQ1 protein. Computational prediction suggests that this variant may have deleterious impact on protein structure and function (internally defined REVEL score threshold >= 0.7, PMID: 27666373). To our knowledge, functional studies have not been reported for this variant. This variant has not been reported in individuals affected with KCNQ1-related disorders in the literature. This variant has not been identified in the general population by the Genome Aggregation Database (gnomAD). The available evidence is insufficient to determine the role of this variant in disease conclusively. Therefore, this variant is classified as a Variant of Uncertain Significance.

This study involves interpretation of variants in research participants for the purpose of population health screening. Participant phenotype was not available at the time of variant classification. Additional details can be found in publication PMID: 35346344, PMCID: PMC8962531

NM_000218.3(KCNQ1):c.715C>G (p.Leu239Val)

Gene: KCNQ1 (potassium voltage-gated channel subfamily Q member 1; plus strand). Cytogenetic location: 11p15.5.
Variant type: single nucleotide variant.
Coding change: c.715C>G on transcript NM_000218.3 (MANE Select); coding-DNA position 715, C replaced by G.
Protein change: p.Leu239Val; replaces leucine 239 with valine.
Molecular consequence: missense variant. On other transcripts: intron variant (1).
Genome position (GRCh38, 1-based): chr11:2,572,044, C>G. VCF-style: chr11-2572044-C-G. GRCh37 (hg19) VCF-style: chr11-2593274-C-G.
Other names: c.715C>G, p.Leu239Val (NM_001406836.1); c.445C>G, p.Leu149Val (NM_001406837.1); c.334C>G, p.Leu112Val (NM_181798.2); c.478-11391C>G (NM_001406838.1); short protein forms L112V, L149V, L239V.
Identifiers: ClinVar variation 3073819 (VCV003073819.1), dbSNP rs2493671569, ClinGen allele CA379130955.